The following is an entry in ClinVar:

ClinVar aggregate classification (germline): Uncertain significance. Review status: criteria provided, multiple submitters, no conflicts (2 of 4 stars). 3 submissions from 3 submitters: Uncertain significance (3). Last evaluated 2025-12-28.

Conditions:
SNRNP200-related disorder. Also called: SNRNP200-related condition.
Inborn genetic diseases. Identifiers: MedGen C0950123, MeSH D030342.

Allele frequency attached by ClinVar (database versions not stated): gnomAD 0.00001; TOPMed 0.00001.
gnomAD v4.1: 8 of 1,614,116 alleles (0.0005%); highest among the groups gnomAD compares: South Asian, 0.0011%; no homozygotes.

Submissions (3):

PreventionGenetics, part of Exact Sciences
Classification: Uncertain significance for SNRNP200-related condition. Last evaluated: 2025-12-28. Review status: criteria provided, single submitter. Criteria: ACMG Guidelines, 2015. Collection method: clinical testing. Allele origin: germline.
Comment: The SNRNP200 c.3323C>T variant is predicted to result in the amino acid substitution p.Thr1108Ile. To our knowledge, this variant has not been reported in the literature. This variant is reported in 0.00088% of alleles in individuals of European (Non-Finnish) descent in gnomAD. At this time, the clinical significance of this variant is uncertain due to the absence of conclusive functional and genetic evidence.

Ambry Genetics
Classification: Uncertain significance for Inborn genetic diseases. Last evaluated: 2025-03-31. Review status: criteria provided, single submitter. Criteria: Ambry Variant Classification Scheme 2023. Collection method: clinical testing. Allele origin: germline.

Labcorp Genetics (formerly Invitae), Labcorp
Classification: Uncertain significance. Last evaluated: 2022-02-23. Review status: criteria provided, single submitter. Criteria: Invitae Variant Classification Sherloc (09022015). Collection method: clinical testing. Allele origin: germline.
Comment: Algorithms developed to predict the effect of missense changes on protein structure and function are either unavailable or do not agree on the potential impact of this missense change (SIFT: "Deleterious"; PolyPhen-2: "Benign"; Align-GVGD: "Class C0"). This variant has not been reported in the literature in individuals affected with SNRNP200-related conditions. This variant is present in population databases (no rsID available, gnomAD 0.0009%). This sequence change replaces threonine, which is neutral and polar, with isoleucine, which is neutral and non-polar, at codon 1108 of the SNRNP200 protein (p.Thr1108Ile). In summary, the available evidence is currently insufficient to determine the role of this variant in disease. Therefore, it has been classified as a Variant of Uncertain Significance.

NM_014014.5(SNRNP200):c.3323C>T (p.Thr1108Ile)

Gene: SNRNP200 (small nuclear ribonucleoprotein U5 subunit 200; minus strand). Cytogenetic location: 2q11.2.
Variant type: single nucleotide variant.
Coding change: c.3323C>T on transcript NM_014014.5 (MANE Select); coding-DNA position 3323, C replaced by T.
Protein change: p.Thr1108Ile; replaces threonine 1108 with isoleucine.
Molecular consequence: missense variant.
Genome position (GRCh38, 1-based): chr2:96,287,905, G>A on the plus strand (C>T on the coding strand, the complement: SNRNP200 is on the minus strand). VCF-style: chr2-96287905-G-A. GRCh37 (hg19) VCF-style: chr2-96953643-G-A.
Other names: c.3323C>T (NM_014014.4); short protein forms T1108I.
Identifiers: ClinVar variation 1345299 (VCV001345299.8), dbSNP rs1247160867, ClinGen allele CA347672944.